The following is an entry in ClinVar:

ClinVar aggregate classification (germline): Uncertain significance. Review status: criteria provided, multiple submitters, no conflicts (2 of 4 stars). 4 submissions from 4 submitters: Uncertain significance (4). Last evaluated 2025-11-01.

Conditions:
Hereditary cancer-predisposing syndrome. Also called: Hereditary Cancer Syndrome; Hereditary neoplastic syndrome; Tumor predisposition; Neoplastic Syndromes, Hereditary. Identifiers: Orphanet 140162, MedGen C0027672, MeSH D009386, MONDO:0015356.

gnomAD v4.1: 5 of 1,614,244 alleles (0.00031%); highest among the groups gnomAD compares: South Asian, 0.0011%; no homozygotes.

Submissions (4):

Ambry Genetics
Classification: Uncertain significance for Hereditary cancer-predisposing syndrome. Last evaluated: 2025-11-01. Review status: criteria provided, single submitter. Criteria: Ambry Variant Classification Scheme 2023. Collection method: clinical testing. Allele origin: germline.
Comment: The p.Y222C variant (also known as c.665A>G), located in coding exon 5 of the CTNNA1 gene, results from an A to G substitution at nucleotide position 665. The tyrosine at codon 222 is replaced by cysteine, an amino acid with highly dissimilar properties. This alteration was identified in an individual diagnosed with gastric or breast cancer (Clark DF et al. Genet Med, 2020 05;22:840-846). This amino acid position is highly conserved in available vertebrate species. In addition, this alteration is predicted to be deleterious by in silico analysis. Based on the available evidence, the clinical significance of this variant remains unclear.

Labcorp Genetics (formerly Invitae), Labcorp
Classification: Uncertain significance. Last evaluated: 2024-05-08. Review status: criteria provided, single submitter. Criteria: Invitae Variant Classification Sherloc (09022015). Collection method: clinical testing. Allele origin: germline.
Comment: This sequence change replaces tyrosine, which is neutral and polar, with cysteine, which is neutral and slightly polar, at codon 222 of the CTNNA1 protein (p.Tyr222Cys). This variant is present in population databases (rs755524897, gnomAD 0.003%). This variant has not been reported in the literature in individuals affected with CTNNA1-related conditions. ClinVar contains an entry for this variant (Variation ID: 850785). Advanced modeling of protein sequence and biophysical properties (such as structural, functional, and spatial information, amino acid conservation, physicochemical variation, residue mobility, and thermodynamic stability) performed at Invitae indicates that this missense variant is not expected to disrupt CTNNA1 protein function with a negative predictive value of 80%. In summary, the available evidence is currently insufficient to determine the role of this variant in disease. Therefore, it has been classified as a Variant of Uncertain Significance.

GeneDx
Classification: Uncertain significance. Last evaluated: 2023-07-16. Review status: criteria provided, single submitter. Criteria: GeneDx Variant Classification Process June 2021. Collection method: clinical testing. Allele origin: germline. Affected: yes.
Comment: In silico analysis supports that this missense variant has a deleterious effect on protein structure/function; Observed in an individual undergoing multigene hereditary cancer panel testing (Clark et al., 2020); This variant is associated with the following publications: (PMID: 32051609)

Blueprint Genetics
Classification: Uncertain significance. Last evaluated: 2022-05-11. Review status: criteria provided, single submitter. Criteria: ACMG Guidelines, 2015. Collection method: clinical testing. Allele origin: germline.

Literature cited by the submitters: PubMed 32051609 (cited by Ambry Genetics).

NM_001903.5(CTNNA1):c.665A>G (p.Tyr222Cys)

Gene: CTNNA1 (catenin alpha 1; plus strand). Cytogenetic location: 5q31.2.
Variant type: single nucleotide variant.
Coding change: c.665A>G on transcript NM_001903.5 (MANE Select); coding-DNA position 665, A replaced by G.
Protein change: p.Tyr222Cys; replaces tyrosine 222 with cysteine.
Molecular consequence: missense variant.
Genome position (GRCh38, 1-based): chr5:138,824,606, A>G. VCF-style: chr5-138824606-A-G. GRCh37 (hg19) VCF-style: chr5-138160295-A-G.
Other names: c.665A>G, p.Tyr222Cys (NM_001290307.3, NM_001323982.2, NM_001323983.1 and 3 more transcripts); c.356A>G, p.Tyr119Cys (NM_001290309.3); c.296A>G, p.Tyr99Cys (NM_001290310.3); short protein forms Y222C, Y99C, Y119C.
Identifiers: ClinVar variation 850785 (VCV000850785.15), dbSNP rs755524897, ClinGen allele CA3431524.